The following is an entry in ClinVar:

NM_021012.5(KCNJ12):c.745A>G (p.Ile249Val)

Gene: KCNJ12 (potassium inwardly rectifying channel subfamily J member 12; plus strand). Cytogenetic location: 17p11.2.
Variant type: single nucleotide variant.
Coding change: c.745A>G on transcript NM_021012.5 (MANE Select); coding-DNA position 745, A replaced by G.
Protein change: p.Ile249Val; replaces isoleucine 249 with valine.
Molecular consequence: missense variant.
Genome position (GRCh38, 1-based): chr17:21,416,087, A>G. VCF-style: chr17-21416087-A-G. GRCh37 (hg19) VCF-style: chr17-21319399-A-G.
Other names: short protein forms I249V.
Identifiers: ClinVar variation 3059482 (VCV003059482.2), dbSNP rs4985866, ClinGen allele CA8451267.
Genomic context (GRCh38, chr17:21,416,087, plus strand): 5'-CGCGCGCAGCTCATCAAGCCGCGGGTCACCGAGGAGGGCGAGTACATCCCGCTGGACCAG[A>G]TCGACATCGATGTGGGCTTCGACAAGGGCCTGGACCGCATCTTTCTGGTGTCGCCCATCA-3'
Protein context (NP_066292.2, residues 239-259): EEGEYIPLDQ[Ile249Val]DIDVGFDKGL

ClinVar aggregate classification (germline): Benign (0 of 4 stars; one submission).

Conditions:
KCNJ12-related disorder. Also called: KCNJ12-related condition.

Allele frequency attached by ClinVar (database versions not stated): gnomAD exomes 0.00003; gnomAD 0.00004; 1000 Genomes Project 30x 0.00031; ESP Exome Variant Server 0.25211; ExAC 0.36358.
gnomAD v4.1: 56 of 1,610,500 alleles (0.0035%); highest among the groups gnomAD compares: Middle Eastern, 0.017%; no homozygotes.

Submission:

PreventionGenetics, part of Exact Sciences
Classification: Benign for KCNJ12-related condition. Last evaluated: 2019-10-17. Review status: no assertion criteria provided. Collection method: clinical testing. Allele origin: germline.
Comment: This variant is classified as benign based on ACMG/AMP sequence variant interpretation guidelines (Richards et al. 2015 PMID: 25741868, with internal and published modifications).